The following is an entry in ClinVar:

NM_016148.5(SHANK1):c.1453A>G (p.Thr485Ala)

Gene: SHANK1 (SH3 and multiple ankyrin repeat domains 1; minus strand). Cytogenetic location: 19q13.33.
Variant type: single nucleotide variant.
Coding change: c.1453A>G on transcript NM_016148.5 (MANE Select); coding-DNA position 1453, A replaced by G.
Protein change: p.Thr485Ala; replaces threonine 485 with alanine.
Molecular consequence: missense variant.
Genome position (GRCh38, 1-based): chr19:50,703,600, T>C on the plus strand (A>G on the coding strand, the complement: SHANK1 is on the minus strand). VCF-style: chr19-50703600-T-C. GRCh37 (hg19) VCF-style: chr19-51206857-T-C.
Other names: short protein forms T485A.
Identifiers: ClinVar variation 3777582 (VCV003777582.1).
Genomic context (GRCh38, chr19:50,703,600, plus strand): 5'-GCCTCCCTCGGGATGGAGAGCGGGCCCTGGCACCCCGGGGGCTGCTGGCACTTCGGAGGG[T>C]CCCGCTGCTGAGCTTGGTGGTGGGGGCCGAGGGCTGCGACTGGCCCTGGGACCCTGAGGT-3'
Protein context (NP_057232.2, residues 475-495): SAPTTKLSSG[Thr485Ala]LRSASSPRGA

ClinVar aggregate classification (germline): Uncertain significance (1 of 4 stars; one submission).

Submission:

GeneDx
Classification: Uncertain significance. Last evaluated: 2024-10-08. Review status: criteria provided, single submitter. Criteria: GeneDx Variant Classification Process June 2021. Collection method: clinical testing. Allele origin: germline. Affected: yes.
Comment: Not observed at significant frequency in large population cohorts (gnomAD); In silico analysis indicates that this missense variant does not alter protein structure/function; Has not been previously published as pathogenic or benign to our knowledge